The following is an entry in ClinVar:

NM_001100.4(ACTA1):c.521C>T (p.Pro174Leu)

Gene: ACTA1 (actin alpha 1, skeletal muscle; minus strand). Cytogenetic location: 1q42.13.
Variant type: single nucleotide variant.
Coding change: c.521C>T on transcript NM_001100.4 (MANE Select); coding-DNA position 521, C replaced by T.
Protein change: p.Pro174Leu; replaces proline 174 with leucine.
Molecular consequence: missense variant.
Genome position (GRCh38, 1-based): chr1:229,432,365, G>A on the plus strand (C>T on the coding strand, the complement: ACTA1 is on the minus strand). VCF-style: chr1-229432365-G-A. GRCh37 (hg19) VCF-style: chr1-229568112-G-A.
Other names: short protein forms P174L.
Identifiers: ClinVar variation 374934 (VCV000374934.2), dbSNP rs1057519311, ClinGen allele CA16043983.
Genomic context (GRCh38, chr1:229,432,365, plus strand): 5'-ATCTTCATCAGGTAGTCGGTGAGATCGCGGCCCGCCAGGTCCAGGCGCATGATGGCGTGC[G>A]GCAGCGCGTAGCCCTCATAAATGGGCACGTTGTGGGTGACGCCGTCGCCGGAGTCCAGCA-3'
Protein context (NP_001091.1, residues 164-184): NVPIYEGYAL[Pro174Leu]HAIMRLDLAG

ClinVar aggregate classification (germline): Likely pathogenic (0 of 4 stars; one submission).

Conditions:
Actin accumulation myopathy (CMYO2A). Also called: CONGENITAL MYOPATHY 2A, TYPICAL, AUTOSOMAL DOMINANT; Myopathy, actin, congenital, with cores; Nemaline myopathy 3, with intranuclear rods; Nemaline myopathy type 3; Myopathy, actin, congenital, with excess of thin myofilaments. Identifiers: Orphanet 98904, MedGen C3711389, MONDO:0008070, OMIM 161800.

Allele frequency attached by ClinVar (database versions not stated): gnomAD exomes below 0.00001.
gnomAD v4.1: 1 of 1,613,726 alleles (0.000062%); highest among the groups gnomAD compares: Non-Finnish European, 0.000085%; no homozygotes.

Submission:

Foundation for Research in Genetics and Endocrinology, FRIGE's Institute of Human Genetics
Classification: Likely pathogenic for Actin accumulation myopathy. Last evaluated: 2016-12-30. Review status: no assertion criteria provided. Collection method: clinical testing. Allele origin: germline. Inheritance: Autosomal recessive inheritance. Affected: yes. Observed: 1 variant allele, 1 homozygote.
Comment: Variant c.521C>T is not reported in 1000 genome and ExAc database. But it was found to be disease causing by software like Mutation Taster, SIFT, Polyphen2.